The following is an entry in ClinVar:

ClinVar aggregate classification (germline): Likely pathogenic (1 of 4 stars; one submission).

Conditions:
Joubert syndrome. Also called: Familial aplasia of the vermis; JOUBERT-BOLTSHAUSER SYNDROME; CEREBELLOPARENCHYMAL DISORDER IV. Identifiers: Orphanet 475, MedGen C5979921, MONDO:0018772.

Submission:

Natera, Inc.
Classification: Likely pathogenic for Joubert syndrome. Last evaluated: 2024-06-13. Review status: criteria provided, single submitter. Criteria: Natera Variant Classification Schema (03/2026). Collection method: clinical testing. Allele origin: germline.
Comment: The c.2478_2479insGA variant in RPGRIP1L is a frameshift variant predicted to shift the reading frame beginning at codon 827 and leads to a stop codon 23 codons downstream. This variant is expected to result in nonsense mediated decay, truncation, or a dysfunctional protein product. This variant is rare in the general population with a frequency below the threshold expected for the associated phenotype(s). Given the available evidence, this variant is classified as Likely Pathogenic.

NM_015272.5(RPGRIP1L):c.2478_2479insGA (p.Thr827fs)

Gene: RPGRIP1L (RPGRIP1 like; minus strand). Cytogenetic location: 16q12.2.
Variant type: Insertion.
Coding change: c.2478_2479insGA on transcript NM_015272.5 (MANE Select); coding-DNA positions 2478 to 2479, GA inserted.
Protein change: p.Thr827fs; shifts the reading frame from threonine 827.
Molecular consequence: frameshift variant.
Genome position: GRCh38 VCF-style: chr16-53645829-T-TTC. GRCh37 (hg19) VCF-style: chr16-53679741-T-TTC.
Other names: c.2478_2479insGA, p.Thr827fs (NM_001127897.4, NM_001308334.3, NM_001330538.2); short protein forms T827fs.
Identifiers: ClinVar variation 4815837 (VCV004815837.1).